The following is an entry in ClinVar:

NM_001267550.2(TTN):c.87939T>C (p.Tyr29313=)

Genes: TTN (titin; minus strand), TTN-AS1 (TTN antisense RNA 1; plus strand). Cytogenetic location: 2q31.2.
Variant type: single nucleotide variant.
Coding change: c.87939T>C on transcript NM_001267550.2 (MANE Select); coding-DNA position 87939, T replaced by C.
Protein change: p.Tyr29313=; no amino-acid change (tyrosine 29313 retained).
Molecular consequence: synonymous variant.
Genome position (GRCh38, 1-based): chr2:178,557,323, A>G on the plus strand (T>C on the coding strand, the complement: TTN is on the minus strand). VCF-style: chr2-178557323-A-G. GRCh37 (hg19) VCF-style: chr2-179422050-A-G.
Other names: c.83016T>C, p.Tyr27672= (NM_001256850.1); c.60744T>C, p.Tyr20248= (NM_003319.4); c.80235T>C, p.Tyr26745= (NM_133378.4); c.61119T>C, p.Tyr20373= (NM_133432.3); c.61320T>C, p.Tyr20440= (NM_133437.4).
Identifiers: ClinVar variation 778675 (VCV000778675.35), dbSNP rs200314496, ClinGen allele CA1988240.

ClinVar aggregate classification (germline): Likely benign. Review status: criteria provided, multiple submitters, no conflicts (2 of 4 stars). 4 submissions from 4 submitters: Likely benign (4). Last evaluated 2026-01-06.

Conditions:
Cardiovascular phenotype. Identifiers: MedGen CN230736.
Dilated cardiomyopathy 1G (CMD1G). Identifiers: Orphanet 154, MedGen C1858763, MONDO:0011400, OMIM 604145.
Autosomal recessive limb-girdle muscular dystrophy type 2J (LGMDR10). Also called: Limb-girdle muscular dystrophy, type 2J; MUSCULAR DYSTROPHY, LIMB-GIRDLE, AUTOSOMAL RECESSIVE 10. Identifiers: Orphanet 140922, MedGen C1837342, MONDO:0012127, OMIM 608807.

Allele frequency attached by ClinVar (database versions not stated): ExAC 0.00001; gnomAD 0.00001; gnomAD exomes 0.00001 and 0.00004; TOPMed 0.00001.

Submissions (4):

Labcorp Genetics (formerly Invitae), Labcorp
Classification: Likely benign for Dilated cardiomyopathy 1G; Autosomal recessive limb-girdle muscular dystrophy type 2J. Last evaluated: 2026-01-06. Review status: criteria provided, single submitter. Criteria: Invitae Variant Classification Sherloc (09022015). Collection method: clinical testing. Allele origin: germline.

Ambry Genetics
Classification: Likely benign for Cardiovascular phenotype. Last evaluated: 2024-06-04. Review status: criteria provided, single submitter. Criteria: Ambry Variant Classification Scheme 2023. Collection method: clinical testing. Allele origin: germline.

CeGaT Center for Human Genetics Tuebingen
Classification: Likely benign. Last evaluated: 2024-02-01. Review status: criteria provided, single submitter. Criteria: CeGaT Center For Human Genetics Tuebingen Variant Classification Criteria Version 2. Collection method: clinical testing. Allele origin: germline. Affected: yes. Observed: 1 variant allele.
Comment: TTN: BP4, BP7

ARUP Laboratories, Molecular Genetics and Genomics, ARUP Laboratories
Classification: Likely benign. Last evaluated: 2023-12-19. Review status: criteria provided, single submitter. Criteria: ARUP Molecular Germline Variant Investigation Process 2024. Collection method: clinical testing. Allele origin: germline.